The following is an entry in ClinVar:

NM_001365536.1(SCN9A):c.3411A>C (p.Glu1137Asp)

Genes: SCN1A-AS1 (SCN1A and SCN9A antisense RNA 1; plus strand), SCN9A (sodium voltage-gated channel alpha subunit 9; minus strand). Cytogenetic location: 2q24.3.
Variant type: single nucleotide variant.
Coding change: c.3411A>C on transcript NM_001365536.1 (MANE Select); coding-DNA position 3411, A replaced by C.
Protein change: p.Glu1137Asp; replaces glutamic acid 1137 with aspartic acid.
Molecular consequence: missense variant. On other transcripts: non-coding transcript variant (1).
Genome position (GRCh38, 1-based): chr2:166,251,826, T>G on the plus strand (A>C on the coding strand, the complement: SCN9A is on the minus strand). VCF-style: chr2-166251826-T-G. GRCh37 (hg19) VCF-style: chr2-167108336-T-G.
Other names: c.3378A>C, p.Glu1126Asp (NM_002977.4); short protein forms E1126D, E1137D.
Identifiers: ClinVar variation 1714998 (VCV001714998.6), dbSNP rs2467904299, ClinGen allele CA349071981.
Genomic context (GRCh38, chr2:166,251,826, plus strand): 5'-ATCTGTGAAACAGGCCTCTGGCTCATCGGAATTCATAGGTTCAGCCTCTGCTTCTTCTCC[T>G]TCTCCAGGCAAAGGGTTATCAACTGTGCTGCACTCTGAGGAGCTTGACCGGTTTAATCTC-3'
Protein context (NP_001352465.1, residues 1127-1147): CSTVDNPLPG[Glu1137Asp]GEEAEAEPMN

ClinVar aggregate classification (germline): Uncertain significance (1 of 4 stars; one submission).

Conditions:
Generalized epilepsy with febrile seizures plus, type 7 (GEFSP7). Also called: GEFS+, TYPE 7. Identifiers: Orphanet 36387, MedGen C2751778, MONDO:0013470, OMIM 613863.
Neuropathy, hereditary sensory and autonomic, type 2A (HSAN2A). Also called: HSAN IIA; ACROOSTEOLYSIS, GIACCAI TYPE; ACROOSTEOLYSIS, NEUROGENIC; MORVAN DISEASE; NEUROPATHY, CONGENITAL SENSORY; NEUROPATHY, HEREDITARY SENSORY RADICULAR, AUTOSOMAL RECESSIVE. Identifiers: Orphanet 970, MedGen C2752089, MONDO:0024309, OMIM 201300.

Submission:

Labcorp Genetics (formerly Invitae), Labcorp
Classification: Uncertain significance for Neuropathy, hereditary sensory and autonomic, type 2A; Generalized epilepsy with febrile seizures plus, type 7. Last evaluated: 2022-07-15. Review status: criteria provided, single submitter. Criteria: Invitae Variant Classification Sherloc (09022015). Collection method: clinical testing. Allele origin: germline.
Comment: In summary, the available evidence is currently insufficient to determine the role of this variant in disease. Therefore, it has been classified as a Variant of Uncertain Significance. Algorithms developed to predict the effect of missense changes on protein structure and function output the following: SIFT: "Tolerated"; PolyPhen-2: "Benign"; Align-GVGD: "Class C0". The aspartic acid amino acid residue is found in multiple mammalian species, which suggests that this missense change does not adversely affect protein function. This variant has not been reported in the literature in individuals affected with SCN9A-related conditions. This variant is not present in population databases (gnomAD no frequency). This sequence change replaces glutamic acid, which is acidic and polar, with aspartic acid, which is acidic and polar, at codon 1126 of the SCN9A protein (p.Glu1126Asp).